The following is an entry in ClinVar:

NM_030962.4(SBF2):c.3040G>A (p.Ala1014Thr)

Genes: SBF2 (SET binding factor 2; minus strand), LOC101928008 (uncharacterized LOC101928008; plus strand). Cytogenetic location: 11p15.4.
Variant type: single nucleotide variant.
Coding change: c.3040G>A on transcript NM_030962.4 (MANE Select); coding-DNA position 3040, G replaced by A.
Protein change: p.Ala1014Thr; replaces alanine 1014 with threonine.
Molecular consequence: missense variant.
Genome position (GRCh38, 1-based): chr11:9,845,635, C>T on the plus strand (G>A on the coding strand, the complement: SBF2 is on the minus strand). VCF-style: chr11-9845635-C-T. GRCh37 (hg19) VCF-style: chr11-9867182-C-T.
Other names: c.3040G>A, p.Ala1014Thr (NM_001386339.1); c.2911G>A, p.Ala971Thr (NM_001386342.1); short protein forms A1014T, A971T.
Identifiers: ClinVar variation 574392 (VCV000574392.11), dbSNP rs1404127728, ClinGen allele CA379632751.

ClinVar aggregate classification (germline): Uncertain significance. Review status: criteria provided, multiple submitters, no conflicts (2 of 4 stars). 2 submissions from 2 submitters: Uncertain significance (2). Last evaluated 2023-07-26.

Conditions:
Inborn genetic diseases. Identifiers: MedGen C0950123, MeSH D030342.
Charcot-Marie-Tooth disease type 4. Also called: Charcot-Marie-Tooth disease, type IV; Charcot-Marie-Tooth, Type 4. Identifiers: Orphanet 64749, MedGen C4082197, MONDO:0018995.

Allele frequency attached by ClinVar (database versions not stated): TOPMed below 0.00001; gnomAD 0.00001.
gnomAD v4.1: 48 of 1,613,840 alleles (0.003%); highest among the groups gnomAD compares: Non-Finnish European, 0.004%; no homozygotes.

Submissions (2):

Ambry Genetics
Classification: Uncertain significance for Inborn genetic diseases. Last evaluated: 2023-07-26. Review status: criteria provided, single submitter. Criteria: Ambry Variant Classification Scheme 2023. Collection method: clinical testing. Allele origin: germline.

Labcorp Genetics (formerly Invitae), Labcorp
Classification: Uncertain significance for Charcot-Marie-Tooth disease type 4. Last evaluated: 2021-03-18. Review status: criteria provided, single submitter. Criteria: Invitae Variant Classification Sherloc (09022015). Collection method: clinical testing. Allele origin: germline.
Comment: In summary, the available evidence is currently insufficient to determine the role of this variant in disease. Therefore, it has been classified as a Variant of Uncertain Significance. Algorithms developed to predict the effect of missense changes on protein structure and function are either unavailable or do not agree on the potential impact of this missense change (SIFT: "Deleterious"; PolyPhen-2: "Probably Damaging"; Align-GVGD: "Class C0"). This variant has not been reported in the literature in individuals with SBF2-related disease. This variant is not present in population databases (ExAC no frequency). This sequence change replaces alanine with threonine at codon 1014 of the SBF2 protein (p.Ala1014Thr). The alanine residue is highly conserved and there is a small physicochemical difference between alanine and threonine.